The following is an entry in ClinVar:

NM_001002010.5(NT5C3A):c.897G>A (p.Val299=)

Gene: NT5C3A (5'-nucleotidase, cytosolic IIIA; minus strand). Cytogenetic location: 7p14.3.
Variant type: single nucleotide variant.
Coding change: c.897G>A on transcript NM_001002010.5 (MANE Select); coding-DNA position 897, G replaced by A.
Protein change: p.Val299=; no amino-acid change (valine 299 retained).
Molecular consequence: synonymous variant.
Genome position (GRCh38, 1-based): chr7:33,014,829, C>T on the plus strand (G>A on the coding strand, the complement: NT5C3A is on the minus strand). VCF-style: chr7-33014829-C-T. GRCh37 (hg19) VCF-style: chr7-33054441-C-T.
Other names: p.Val299=; c.795G>A, p.Val265= (NM_001002009.3, NM_016489.14); c.759G>A, p.Val253= (NM_001166118.3, NM_001356996.3, NM_001374336.1 and 1 more transcripts); c.798G>A, p.Val266= (NM_001374335.1); c.696G>A, p.Val232= (NM_001374338.1, NM_001374339.1).
Identifiers: ClinVar variation 4541272 (VCV004541272.1).

ClinVar aggregate classification (germline): Uncertain significance (1 of 4 stars; one submission).

gnomAD v4.1: 30 of 1,610,376 alleles (0.0019%); highest among the groups gnomAD compares: Non-Finnish European, 0.0025%; no homozygotes.

Submission:

Mayo Clinic Laboratories, Mayo Clinic
Classification: Uncertain significance. Last evaluated: 2025-12-04. Review status: criteria provided, single submitter. Criteria: ACMG Guidelines, 2015. Collection method: clinical testing. Allele origin: germline. Observed: 1 variant allele.
Comment: PM2_supporting